The following is an entry in ClinVar:

NM_024675.4(PALB2):c.3202-13T>C

Gene: PALB2 (partner and localizer of BRCA2; minus strand). Cytogenetic location: 16p12.2.
Variant type: single nucleotide variant.
Coding change: c.3202-13T>C on transcript NM_024675.4 (MANE Select); 13 bases into the intron before coding-DNA position 3202, T replaced by C.
Molecular consequence: intron variant.
Genome position (GRCh38, 1-based): chr16:23,608,025, A>G on the plus strand (T>C on the coding strand, the complement: PALB2 is on the minus strand). VCF-style: chr16-23608025-A-G. GRCh37 (hg19) VCF-style: chr16-23619346-A-G.
Other names: c.3202-13T>C (NM_024675.3); c.2229-4356T>C (NM_001407308.1, NM_001407309.1); c.2317-13T>C (NM_001407306.1, NM_001407305.1, NM_001407304.1); c.736-13T>C (NM_001407314.1); c.1414-4356T>C (NM_001407313.1); c.1414-13T>C (NM_001407312.1); c.3142-13T>C (NM_001407296.1); c.3130-13T>C (NM_001407297.1); and 7 more.
Identifiers: ClinVar variation 2692687 (VCV002692687.6), dbSNP rs2142274636, ClinGen allele CA2697555733.

ClinVar aggregate classification (germline): Conflicting classifications of pathogenicity. Review status: criteria provided, conflicting classifications (1 of 4 stars). 5 submissions from 5 submitters: Uncertain significance (2); Likely benign (3). Last evaluated 2025-03-04.

Conditions:
Familial cancer of breast. Also called: hereditary breast carcinoma; BREAST CANCER, FAMILIAL; Hereditary breast cancer. Identifiers: Orphanet 227535, MedGen C0346153, MONDO:0016419, OMIM 114480. Disease mechanism: loss of function.
Hereditary cancer-predisposing syndrome. Also called: Tumor predisposition; Hereditary neoplastic syndrome; Neoplastic Syndromes, Hereditary; Hereditary Cancer Syndrome. Identifiers: Orphanet 140162, MedGen C0027672, MeSH D009386, MONDO:0015356.
Breast-ovarian cancer, familial, susceptibility to, 5 (BROVCA5). Identifiers: MedGen C5830615, MONDO:0957530, OMIM 620442.
Pancreatic cancer, susceptibility to, 3. Identifiers: Orphanet 1333, MedGen C3150547, MONDO:0013236, OMIM 613348.
Fanconi anemia complementation group N. Also called: PALB2-Related Fanconi Anemia. Identifiers: Orphanet 84, MedGen C1835817, MONDO:0012565, OMIM 610832. Disease mechanism: loss of function.

Submissions (5):

Center for Genomic Medicine, Rigshospitalet, Copenhagen University Hospital
Classification: Uncertain significance. Last evaluated: 2025-03-04. Review status: criteria provided, single submitter. Criteria: ACMG Guidelines, 2015. Collection method: clinical testing. Allele origin: germline.
Comment: Classification criteria: PP3

Myriad Genetics, Inc.
Classification: Likely benign for Familial cancer of breast. Last evaluated: 2025-01-21. Review status: criteria provided, single submitter. Criteria: Myriad Autosomal Dominant, Autosomal Recessive and X-Linked Classification Criteria (2023). Collection method: clinical testing. Allele origin: unknown.
Comment: This variant is considered likely benign. This variant is intronic and is not expected to impact mRNA splicing.

Institute of Immunology and Genetics Kaiserslautern
Classification: Uncertain significance for Breast-ovarian cancer, familial, susceptibility to, 5; Pancreatic cancer, susceptibility to, 3; Fanconi anemia complementation group N. Last evaluated: 2024-02-09. Review status: criteria provided, single submitter. Criteria: ACMG Guidelines, 2015. Collection method: clinical testing. Allele origin: germline. Affected: yes.
Comment: ACMG Criteria: PM2, Variant was found in heterozygous state

Labcorp Genetics (formerly Invitae), Labcorp
Classification: Likely benign for Familial cancer of breast. Last evaluated: 2023-12-06. Review status: criteria provided, single submitter. Criteria: Invitae Variant Classification Sherloc (09022015). Collection method: clinical testing. Allele origin: germline.

Color Diagnostics, LLC DBA Color Health
Classification: Likely benign for Hereditary cancer-predisposing syndrome. Last evaluated: 2023-06-28. Review status: criteria provided, single submitter. Criteria: ACMG Guidelines, 2015. Collection method: clinical testing. Allele origin: germline.